The following is an entry in ClinVar:

ClinVar aggregate classification (germline): Uncertain significance. Review status: criteria provided, multiple submitters, no conflicts (2 of 4 stars). 3 submissions from 3 submitters: Uncertain significance (3). Last evaluated 2025-08-06.

Conditions:
Inborn genetic diseases. Identifiers: MedGen C0950123, MeSH D030342.
Townes-Brocks syndrome 1 (TBS1). Also called: DEAFNESS, SENSORINEURAL, WITH IMPERFORATE ANUS AND THUMB ANOMALIES; REAR SYNDROME; RENAL-EAR-ANAL-RADIAL SYNDROME; SALL1-Related Townes-Brocks Syndrome. Identifiers: Orphanet 857, MedGen C4551481, MONDO:0054581, OMIM 107480.

Allele frequency attached by ClinVar (database versions not stated): gnomAD 0.00001; gnomAD exomes 0.00001; TOPMed 0.00002; ExAC 0.00003.

Submissions (3):

Ambry Genetics
Classification: Uncertain significance for Inborn genetic diseases. Last evaluated: 2025-08-06. Review status: criteria provided, single submitter. Criteria: Ambry Variant Classification Scheme 2023. Collection method: clinical testing. Allele origin: germline.

Fulgent Genetics
Classification: Uncertain significance for Townes-Brocks syndrome 1. Last evaluated: 2021-08-23. Review status: criteria provided, single submitter. Criteria: ACMG Guidelines, 2015. Collection method: clinical testing. Allele origin: unknown.

GeneDx
Classification: Uncertain significance. Last evaluated: 2020-12-21. Review status: criteria provided, single submitter. Criteria: GeneDx Variant Classification Process June 2021. Collection method: clinical testing. Allele origin: germline. Affected: yes.
Comment: In silico analysis, which includes protein predictors and evolutionary conservation, supports a deleterious effect; Has not been previously published as pathogenic or benign to our knowledge

NM_002968.3(SALL1):c.1207C>T (p.Pro403Ser)

Gene: SALL1 (spalt like transcription factor 1; minus strand). Cytogenetic location: 16q12.1.
Variant type: single nucleotide variant.
Coding change: c.1207C>T on transcript NM_002968.3 (MANE Select); coding-DNA position 1207, C replaced by T.
Protein change: p.Pro403Ser; replaces proline 403 with serine.
Molecular consequence: missense variant.
Genome position (GRCh38, 1-based): chr16:51,141,015, G>A on the plus strand (C>T on the coding strand, the complement: SALL1 is on the minus strand). VCF-style: chr16-51141015-G-A. GRCh37 (hg19) VCF-style: chr16-51174926-G-A.
Other names: c.916C>T, p.Pro306Ser (NM_001127892.2); short protein forms P306S, P403S.
Identifiers: ClinVar variation 1223813 (VCV001223813.5), dbSNP rs767232639, ClinGen allele CA8053318.